The following is an entry in ClinVar:

ClinVar aggregate classification (germline): Conflicting classifications of pathogenicity. Review status: criteria provided, conflicting classifications (1 of 4 stars). 6 submissions from 6 submitters: Uncertain significance (1); Benign (2); Likely benign (3). Last evaluated 2025-12-17.

Conditions:
Hereditary cancer-predisposing syndrome. Also called: Tumor predisposition; Neoplastic Syndromes, Hereditary; Hereditary Cancer Syndrome; Hereditary neoplastic syndrome. Identifiers: Orphanet 140162, MedGen C0027672, MeSH D009386, MONDO:0015356.
Tuberous sclerosis syndrome (TSC). Also called: Tuberous Sclerosis Complex; Tuberous sclerosis. Identifiers: Orphanet 805, MedGen C0041341, MONDO:0001734.
Tuberous sclerosis 2 (TSC2). Identifiers: Orphanet 805, MedGen C1860707, MONDO:0013199, OMIM 613254.

Allele frequency attached by ClinVar (database versions not stated): gnomAD exomes below 0.00001 and 0.00001; gnomAD 0.00001; TOPMed 0.00001.
gnomAD v4.1: 6 of 1,607,196 alleles (0.00037%); highest among the groups gnomAD compares: Non-Finnish European, 0.00051%; no homozygotes.

Submissions (6):

Labcorp Genetics (formerly Invitae), Labcorp
Classification: Likely benign for Tuberous sclerosis 2. Last evaluated: 2025-12-17. Review status: criteria provided, single submitter. Criteria: Invitae Variant Classification Sherloc (09022015). Collection method: clinical testing. Allele origin: germline.

Myriad Genetics, Inc.
Classification: Benign for Tuberous sclerosis 2. Last evaluated: 2025-06-05. Review status: criteria provided, single submitter. Criteria: Myriad Autosomal Dominant, Autosomal Recessive and X-Linked Classification Criteria (2023). Collection method: clinical testing. Allele origin: unknown.
Comment: This variant is considered benign. This variant is a silent/synonymous amino acid change and it is not expected to impact splicing.

Color Diagnostics, LLC DBA Color Health
Classification: Likely benign for Tuberous sclerosis syndrome. Last evaluated: 2022-11-06. Review status: criteria provided, single submitter. Criteria: ACMG Guidelines, 2015. Collection method: clinical testing. Allele origin: germline.

Sema4
Classification: Uncertain significance for Hereditary cancer-predisposing syndrome. Last evaluated: 2022-01-01. Review status: criteria provided, single submitter. Criteria: Sema4 Curation Guidelines. Collection method: curation. Allele origin: germline.
Comment: The TSC2 c.4950C>T (p.Y1650=) variant has not been reported in the literature to our knowledge. It was observed in 1/107160 chromosomes of the Non-Finnish European subpopulation in the large and broad cohorts of the Genome Aggregation Database (PMID: 32461654). The variant has been reported in ClinVar (Variation ID 486614). The affected nucleotide is moderately conserved and in silico tools suggest the variant not to have an impact on splicing, though these predictions have not been confirmed by functional studies. The evidence is insufficient to meet ACMG/AMP criteria for classifying the variant as benign or pathogenic. Thus, the clinical significance of this variant is currently uncertain.

Genome-Nilou Lab
Classification: Benign for Tuberous sclerosis 2. Last evaluated: 2021-11-07. Review status: criteria provided, single submitter. Criteria: ACMG Guidelines, 2015. Collection method: clinical testing. Allele origin: germline. Affected: no.

Ambry Genetics
Classification: Likely benign for Hereditary cancer-predisposing syndrome. Last evaluated: 2015-03-11. Review status: criteria provided, single submitter. Criteria: Ambry Variant Classification Scheme 2023. Collection method: clinical testing. Allele origin: germline.

NM_000548.5(TSC2):c.4950C>T (p.Tyr1650=)

Gene: TSC2 (TSC complex subunit 2; plus strand). Cytogenetic location: 16p13.3.
Variant type: single nucleotide variant.
Coding change: c.4950C>T on transcript NM_000548.5 (MANE Select); coding-DNA position 4950, C replaced by T.
Protein change: p.Tyr1650=; no amino-acid change (tyrosine 1650 retained).
Molecular consequence: synonymous variant.
Genome position (GRCh38, 1-based): chr16:2,086,832, C>T. VCF-style: chr16-2086832-C-T. GRCh37 (hg19) VCF-style: chr16-2136833-C-T.
Other names: c.4749C>T, p.Tyr1583= (NM_001077183.3); c.4881C>T, p.Tyr1627= (NM_001114382.3); c.4641C>T, p.Tyr1547= (NM_001318827.2); c.4605C>T, p.Tyr1535= (NM_001318829.2); c.4218C>T, p.Tyr1406= (NM_001318831.2); c.4782C>T, p.Tyr1594= (NM_001318832.2); c.4752C>T, p.Tyr1584= (NM_001363528.2); c.4818C>T, p.Tyr1606= (NM_001370404.1); and 1 more.
Identifiers: ClinVar variation 486614 (VCV000486614.18), dbSNP rs1283177454, ClinGen allele CA492959990.